The following is an entry in ClinVar:

NM_000465.4(BARD1):c.2226G>A (p.Leu742=)

Gene: BARD1 (BRCA1 associated RING domain 1; minus strand). Cytogenetic location: 2q35.
Variant type: single nucleotide variant.
Coding change: c.2226G>A on transcript NM_000465.4 (MANE Select); coding-DNA position 2226, G replaced by A.
Protein change: p.Leu742=; no amino-acid change (leucine 742 retained).
Molecular consequence: synonymous variant. On other transcripts: non-coding transcript variant (3).
Genome position (GRCh38, 1-based): chr2:214,728,784, C>T on the plus strand (G>A on the coding strand, the complement: BARD1 is on the minus strand). VCF-style: chr2-214728784-C-T. GRCh37 (hg19) VCF-style: chr2-215593508-C-T.
Other names: c.2169G>A, p.Leu723= (NM_001282543.2); c.873G>A, p.Leu291= (NM_001282545.2); c.816G>A, p.Leu272= (NM_001282548.2); c.687G>A, p.Leu229= (NM_001282549.2).
Identifiers: ClinVar variation 482767 (VCV000482767.17), dbSNP rs1064793606, ClinGen allele CA431392626.

ClinVar aggregate classification (germline): Benign/Likely benign. Review status: criteria provided, multiple submitters, no conflicts (2 of 4 stars). 3 submissions from 3 submitters: Benign (1); Likely benign (2). Last evaluated 2024-07-30.

Conditions:
Familial cancer of breast. Also called: BREAST CANCER, FAMILIAL; Hereditary breast cancer; hereditary breast carcinoma. Identifiers: Orphanet 227535, MedGen C0346153, MONDO:0016419, OMIM 114480. Disease mechanism: loss of function.
Hereditary cancer-predisposing syndrome. Also called: Neoplastic Syndromes, Hereditary; Tumor predisposition; Hereditary Cancer Syndrome; Hereditary neoplastic syndrome. Identifiers: Orphanet 140162, MedGen C0027672, MeSH D009386, MONDO:0015356.

gnomAD v4.1: 1 of 1,614,174 alleles (0.000062%); highest among the groups gnomAD compares: Non-Finnish European, 0.000085%; no homozygotes.

Submissions (3):

Myriad Genetics, Inc.
Classification: Benign for Familial cancer of breast. Last evaluated: 2024-07-30. Review status: criteria provided, single submitter. Criteria: Myriad Autosomal Dominant, Autosomal Recessive and X-Linked Classification Criteria (2023). Collection method: clinical testing. Allele origin: unknown.
Comment: This variant is considered benign. This variant is a silent/synonymous amino acid change and it is not expected to impact splicing.

Labcorp Genetics (formerly Invitae), Labcorp
Classification: Likely benign for Familial cancer of breast. Last evaluated: 2024-06-16. Review status: criteria provided, single submitter. Criteria: Invitae Variant Classification Sherloc (09022015). Collection method: clinical testing. Allele origin: germline.

Ambry Genetics
Classification: Likely benign for Hereditary cancer-predisposing syndrome. Last evaluated: 2016-09-21. Review status: criteria provided, single submitter. Criteria: Ambry Variant Classification Scheme 2023. Collection method: clinical testing. Allele origin: germline.